The following is an entry in ClinVar:

ClinVar aggregate classification (germline): Uncertain significance. Review status: criteria provided, multiple submitters, no conflicts (2 of 4 stars). 2 submissions from 2 submitters: Uncertain significance (2). Last evaluated 2026-06-16.

Conditions:
Gastrointestinal stromal tumor. Also called: Gastrointestinal stromal tumor, somatic; Gastrointestinal stroma tumor. Identifiers: Orphanet 44890, MedGen C0238198, MeSH D046152, MONDO:0011719, OMIM 606764, HP:0100723.
Hereditary cancer-predisposing syndrome. Also called: Tumor predisposition; Hereditary neoplastic syndrome; Hereditary Cancer Syndrome; Neoplastic Syndromes, Hereditary. Identifiers: Orphanet 140162, MedGen C0027672, MeSH D009386, MONDO:0015356.

Submissions (2):

Ambry Genetics
Classification: Uncertain significance for Hereditary cancer-predisposing syndrome. Last evaluated: 2026-06-16. Review status: criteria provided, single submitter. Criteria: Ambry Variant Classification Scheme 2023. Collection method: clinical testing. Allele origin: germline.
Comment: The c.1786G>A variant (also known as p.G596S), located in coding exon 11 of the PDGFRA gene, results from a G to A substitution at nucleotide position 1786. The amino acid change results in glycine to serine at codon 596, an amino acid with similar properties. However, this change occurs in the last base pair of coding exon 11, which makes it likely to have some effect on normal mRNA splicing. This nucleotide position is highly conserved in available vertebrate species. In silico splice site analysis predicts that this alteration will not have any significant effect on splicing. This amino acid position is highly conserved in available vertebrate species. In addition, as a missense substitution this is predicted to be deleterious by in silico analysis. However, loss of function of PDGFRA has not been established as a mechanism of disease. Based on the available evidence, the clinical significance of this variant remains unclear.

Labcorp Genetics (formerly Invitae), Labcorp
Classification: Uncertain significance for Gastrointestinal stromal tumor. Last evaluated: 2024-07-18. Review status: criteria provided, single submitter. Criteria: Invitae Variant Classification Sherloc (09022015). Collection method: clinical testing. Allele origin: germline.
Comment: This sequence change replaces glycine, which is neutral and non-polar, with serine, which is neutral and polar, at codon 596 of the PDGFRA protein (p.Gly596Ser). This variant also falls at the last nucleotide of exon 12, which is part of the consensus splice site for this exon. This variant is not present in population databases (gnomAD no frequency). This variant has not been reported in the literature in individuals affected with PDGFRA-related conditions. An algorithm developed to predict the effect of missense changes on protein structure and function (PolyPhen-2) suggests that this variant is likely to be disruptive. Variants that disrupt the consensus splice site are a relatively common cause of aberrant splicing (PMID: 17576681, 9536098). In summary, the available evidence is currently insufficient to determine the role of this variant in disease. Therefore, it has been classified as a Variant of Uncertain Significance.

Literature cited by the submitters: PubMed 17576681 (cited by Labcorp Genetics (formerly Invitae), Labcorp); PubMed 9536098 (cited by Labcorp Genetics (formerly Invitae), Labcorp).

NM_006206.6(PDGFRA):c.1786G>A (p.Gly596Ser)

Gene: PDGFRA (platelet derived growth factor receptor alpha; plus strand). Cytogenetic location: 4q12.
Variant type: single nucleotide variant.
Coding change: c.1786G>A on transcript NM_006206.6 (MANE Select); coding-DNA position 1786, G replaced by A.
Protein change: p.Gly596Ser; replaces glycine 596 with serine.
Molecular consequence: missense variant.
Genome position (GRCh38, 1-based): chr4:54,274,973, G>A. VCF-style: chr4-54274973-G-A. GRCh37 (hg19) VCF-style: chr4-55141140-G-A.
Other names: c.1786G>A, p.Gly596Ser (NM_001347827.2, NM_001347829.2); c.1861G>A, p.Gly621Ser (NM_001347828.2); c.1825G>A, p.Gly609Ser (NM_001347830.2); short protein forms G596S, G609S, G621S.
Identifiers: ClinVar variation 3659812 (VCV003659812.3).